The following is an entry in ClinVar:

NC_012920.1(MT-CO1):m.6951G>A

Gene: MT-CO1 (mitochondrially encoded cytochrome c oxidase I; plus strand).
Variant type: single nucleotide variant.
Genome position: chrM-6951-G-A.
Identifiers: ClinVar variation 692687 (VCV000692687.3), dbSNP rs1603220711, ClinGen allele CA414790267.

ClinVar aggregate classification (germline): Likely benign. Review status: reviewed by expert panel (3 of 4 stars). 3 submissions from 3 submitters: Likely benign (1). 2 of the submissions do not count toward it. Last evaluated 2023-07-10.

Conditions:
Leigh syndrome (NULS). Also called: Leigh's syndrome; Leigh Disease; Subacute necrotizing encephalopathy; Necrotizing encephalopathy infantile subacute of Leigh; LEIGH SYNDROME, NUCLEAR; Leigh's necrotizing encephalopathy. Identifiers: Orphanet 506, MedGen C2931891, MONDO:0009723, OMIM 256000.
Mitochondrial disease. Also called: Mitochondrial disorder; Mitochondrial disorders. Identifiers: Orphanet 68380, MedGen C0751651, MeSH D028361, MONDO:0044970.

Submissions (3):

ClinGen Mitochondrial Disease Nuclear and Mitochondrial  Variant Curation Expert Panel, ClinGen
Classification: Likely benign for Mitochondrial disease. Last evaluated: 2023-07-10. Review status: reviewed by expert panel. Criteria: McCormick et al. (Hum Mutat. 2020). Collection method: curation. Allele origin: germline. Inheritance: Mitochondrial inheritance.
Comment: The m.6951G>A variant in MT-CO1 was reviewed by the Mitochondrial Disease Nuclear and Mitochondrial Variant Curation Expert Panel on July 10, 2023. There are no individuals or families with primary mitochondrial disease with this variant reported in the medical literature to our knowledge. Multiple unaffected family members were found to be homoplasmic for this variant in private databases known to this expert panel. In all of these families, the affected individuals had alternate genetic causes determined for their disease (BP5). This variant is present at low frequency in population databases. The frequency in gnomAD v3.1.2 is 26/56,416 (0.046%) with 26 homoplasmic occurrences and one heteroplasmic occurrence spread over eight top level haplogroups (single letter) with European, Asian, and African ancestry. The frequency in MITOMAP GenBank sequences is 20/59,389 (0.034%) spread over eight top level haplogroups with European, and Asian ancestry. The frequency in the Helix dataset is 75/195,983 (0.038%, all homoplasmic) plus an additional 13 heteroplasmic occurrences, all spread over 17 top level haplogroups with European, Asian, and African ancestry. Therefore, the frequency of this variant meets neither criteria for pathogenicity (<0.002%) nor benign status (>0.5%). The computational predictor APOGEE gives scores of 0.41 (“neutral”) in APOGEE1 and 0.101 (“likely benign”) in APOGEE2 (Min=0, Max=1), which predict a no impact on gene function (BP4). There are no cybrids, single fiber studies, or other functional assays reported on this variant to date. In summary, this variant meets criteria to be classified as likely benign for primary mitochondrial disease inherited in a mitochondrial manner. This classification was approved by the NICHD/NINDS U24 ClinGen Mitochondrial Disease Variant Curation Expert Panel on July 10, 2023. Mitochondrial DNA-specific ACMG/AMP criteria applied: BP4, BP5.

Wong Mito Lab, Molecular and Human Genetics, Baylor College of Medicine
Classification: Likely benign for Leigh syndrome. Last evaluated: 2019-10-17. Review status: criteria provided, single submitter. Criteria: Modified ACMG Guidelines (Unpublished). Collection method: clinical testing. Allele origin: germline. Not counted in ClinVar's aggregate classification.
Comment: The NC_012920.1:m.6951G>A (YP_003024028.1:p.Val350Met) variant in MTCO1 gene is interpretated to be a Likely Benign variant based on the modified ACMG guidelines (unpublished). This variant meets the following evidence codes: BS1, BP4

Athena Diagnostics
Classification: Uncertain significance. Last evaluated: 2018-12-10. Review status: criteria provided, single submitter. Criteria: Athena Diagnostics Criteria. Collection method: clinical testing. Allele origin: germline. Not counted in ClinVar's aggregate classification.

Literature cited by the submitters: PubMed 22130971 (cited by Athena Diagnostics); PubMed 24713204 (cited by Athena Diagnostics).